The following is an entry in ClinVar:

NM_000161.3(GCH1):c.423T>G (p.Cys141Trp)

Gene: GCH1 (GTP cyclohydrolase 1; minus strand). Cytogenetic location: 14q22.2.
Variant type: single nucleotide variant.
Coding change: c.423T>G on transcript NM_000161.3 (MANE Select); coding-DNA position 423, T replaced by G.
Protein change: p.Cys141Trp; replaces cysteine 141 with tryptophan.
Molecular consequence: missense variant.
Genome position (GRCh38, 1-based): chr14:54,865,357, A>C on the plus strand (T>G on the coding strand, the complement: GCH1 is on the minus strand). VCF-style: chr14-54865357-A-C. GRCh37 (hg19) VCF-style: chr14-55332075-A-C.
Other names: c.423T>G, p.Cys141Trp (NM_001024024.2, NM_001024070.2, NM_001024071.2); short protein forms C141W.
Identifiers: ClinVar variation 1407812 (VCV001407812.8), dbSNP rs2140074056, ClinGen allele CA389790014.

ClinVar aggregate classification (germline): Uncertain significance (1 of 4 stars; one submission).

Conditions:
GTP cyclohydrolase I deficiency. Identifiers: MedGen C0268467, MONDO:0100184.
Dystonia 5 (DRD). Also called: Dystonia, DOPA-responsive, with or without hyperphenylalaninemia; DYT-GCH1; GTP Cyclohydrolase 1-Deficient Dopa-Responsive Dystonia; DYSTONIA, PROGRESSIVE, WITH DIURNAL VARIATION; DYSTONIA-PARKINSONISM WITH DIURNAL FLUCTUATION. Identifiers: Orphanet 98808, MedGen C1851920, MONDO:0007495, OMIM 128230.

Submission:

Labcorp Genetics (formerly Invitae), Labcorp
Classification: Uncertain significance for GTP cyclohydrolase I deficiency; Dystonia 5. Last evaluated: 2021-08-29. Review status: criteria provided, single submitter. Criteria: Invitae Variant Classification Sherloc (09022015). Collection method: clinical testing. Allele origin: germline.
Comment: In summary, the available evidence is currently insufficient to determine the role of this variant in disease. Therefore, it has been classified as a Variant of Uncertain Significance. Algorithms developed to predict the effect of missense changes on protein structure and function (SIFT, PolyPhen-2, Align-GVGD) all suggest that this variant is likely to be disruptive, but these predictions have not been confirmed by published functional studies and their clinical significance is uncertain. This variant has been observed in individual(s) with dopa-responsive dystonia (PMID: 9626769). It has also been observed to segregate with disease in related individuals. This variant is not present in population databases (ExAC no frequency). This sequence change replaces cysteine with tryptophan at codon 141 of the GCH1 protein (p.Cys141Trp). The cysteine residue is highly conserved and there is a large physicochemical difference between cysteine and tryptophan.

Literature cited by the submitters: PubMed 9626769.